The following is an entry in ClinVar:

NM_016239.4(MYO15A):c.7069G>A (p.Gly2357Ser)

Gene: MYO15A (myosin XVA; plus strand). Cytogenetic location: 17p11.2.
Variant type: single nucleotide variant.
Coding change: c.7069G>A on transcript NM_016239.4 (MANE Select); coding-DNA position 7069, G replaced by A.
Protein change: p.Gly2357Ser; replaces glycine 2357 with serine.
Molecular consequence: missense variant.
Genome position (GRCh38, 1-based): chr17:18,149,328, G>A. VCF-style: chr17-18149328-G-A. GRCh37 (hg19) VCF-style: chr17-18052642-G-A.
Other names: short protein forms G2357S.
Identifiers: ClinVar variation 227649 (VCV000227649.28), dbSNP rs201540919, ClinGen allele CA8424722.

ClinVar aggregate classification (germline): Conflicting classifications of pathogenicity. Review status: criteria provided, conflicting classifications (1 of 4 stars). 6 submissions from 6 submitters: Uncertain significance (2); Likely benign (4). Last evaluated 2026-07-17.

Conditions:
MYO15A-related disorder. Also called: MYO15A-related condition.
Inborn genetic diseases. Identifiers: MedGen C0950123, MeSH D030342.
Autosomal recessive nonsyndromic hearing loss 3. Also called: NEUROSENSORY NONSYNDROMIC RECESSIVE DEAFNESS 3. Identifiers: Orphanet 90636, MedGen C1838263, MONDO:0010860, OMIM 600316.

Allele frequency attached by ClinVar (database versions not stated): ExAC 0.00013; 1000 Genomes Project 30x 0.00016; gnomAD exomes 0.00018; 1000 Genomes Project 0.00020; ESP Exome Variant Server 0.00024; gnomAD 0.00031 and 0.00034; TOPMed 0.00043.
gnomAD v4.1: 178 of 1,611,674 alleles (0.011%); highest among the groups gnomAD compares: Middle Eastern, 0.25%; 1 homozygote.

Submissions (6):

PreventionGenetics, part of Exact Sciences
Classification: Likely benign for MYO15A-related condition. Last evaluated: 2026-07-17. Review status: criteria provided, single submitter. Criteria: ACMG Guidelines, 2015. Collection method: clinical testing. Allele origin: germline.
Comment: This variant is classified as likely benign based on ACMG/AMP sequence variant interpretation guidelines (Richards et al. 2015 PMID: 25741868, with internal and published modifications).

Ambry Genetics
Classification: Uncertain significance for Inborn genetic diseases. Last evaluated: 2024-12-31. Review status: criteria provided, single submitter. Criteria: Ambry Variant Classification Scheme 2023. Collection method: clinical testing. Allele origin: germline.

Labcorp Genetics (formerly Invitae), Labcorp
Classification: Likely benign. Last evaluated: 2024-04-26. Review status: criteria provided, single submitter. Criteria: Invitae Variant Classification Sherloc (09022015). Collection method: clinical testing. Allele origin: germline.

ARUP Laboratories, Molecular Genetics and Genomics, ARUP Laboratories
Classification: Likely benign for Autosomal recessive nonsyndromic hearing loss 3. Last evaluated: 2019-09-12. Review status: criteria provided, single submitter. Criteria: ARUP Molecular Germline Variant Investigation Process. Collection method: clinical testing. Allele origin: germline.

Eurofins Ntd Llc (ga)
Classification: Uncertain significance. Last evaluated: 2018-03-27. Review status: criteria provided, single submitter. Criteria: EGL ClinVar v180209 classification definitions. Collection method: clinical testing. Allele origin: germline. Observed: 1 variant allele, 1 heterozygote.

Laboratory for Molecular Medicine, Mass General Brigham Personalized Medicine
Classification: Likely benign. Last evaluated: 2015-05-17. Review status: criteria provided, single submitter. Criteria: LMM Criteria. Collection method: clinical testing. Allele origin: germline. Observed: 1 variant allele.
Comment: p.Gly2357Ser in exon 34 of MYO15A: This variant is not expected to have clinical significance because the glycine (Gly) residue at position 2357 is not conserve d through species, with 10 mammals having a serine (Ser) at this position. It ha s been identified in 14/104260 chromosomes by the Exome Aggregation Consortium ( ExAC; dbSNP rs201540919).